The following is an entry in ClinVar:

NM_000138.5(FBN1):c.4209A>G (p.Thr1403=)

Gene: FBN1 (fibrillin 1; minus strand). Cytogenetic location: 15q21.1.
Variant type: single nucleotide variant.
Coding change: c.4209A>G on transcript NM_000138.5 (MANE Select); coding-DNA position 4209, A replaced by G.
Protein change: p.Thr1403=; no amino-acid change (threonine 1403 retained).
Molecular consequence: synonymous variant.
Genome position (GRCh38, 1-based): chr15:48,474,256, T>C on the plus strand (A>G on the coding strand, the complement: FBN1 is on the minus strand). VCF-style: chr15-48474256-T-C. GRCh37 (hg19) VCF-style: chr15-48766453-T-C.
Identifiers: ClinVar variation 263806 (VCV000263806.6), dbSNP rs886038931, ClinGen allele CA10587823.

ClinVar aggregate classification (germline): Conflicting classifications of pathogenicity. Review status: criteria provided, conflicting classifications (1 of 4 stars). 3 submissions from 3 submitters: Uncertain significance (2); Likely benign (1). Last evaluated 2024-12-29.

Conditions:
Cardiovascular phenotype. Identifiers: MedGen CN230736.
Marfan syndrome (MFS). Also called: MARFAN SYNDROME, TYPE I; FBN1-Related Marfan Syndrome; Marfan syndrome, classic; Marfan syndrome type 1; Marfan's syndrome. Identifiers: Orphanet 284963, Orphanet 558, MedGen C0024796, MONDO:0007947, OMIM 154700.
Familial thoracic aortic aneurysm and aortic dissection (TAAD). Also called: Thoracic aortic aneurysms and dissections. Identifiers: Orphanet 91387, MedGen C4707243, MONDO:0019625.

Allele frequency attached by ClinVar (database versions not stated): gnomAD 0.00001; gnomAD exomes below 0.00001; TOPMed below 0.00001.
gnomAD v4.1: 3 of 1,614,030 alleles (0.00019%); highest among the groups gnomAD compares: Non-Finnish European, 0.00025%; no homozygotes.

Submissions (3):

Labcorp Genetics (formerly Invitae), Labcorp
Classification: Uncertain significance for Marfan syndrome; Familial thoracic aortic aneurysm and aortic dissection. Last evaluated: 2024-12-29. Review status: criteria provided, single submitter. Criteria: Invitae Variant Classification Sherloc (09022015). Collection method: clinical testing. Allele origin: germline.
Comment: This sequence change affects codon 1403 of the FBN1 mRNA. It is a 'silent' change, meaning that it does not change the encoded amino acid sequence of the FBN1 protein. It affects a nucleotide within the consensus splice site. This variant is not present in population databases (gnomAD no frequency). This variant has not been reported in the literature in individuals affected with FBN1-related conditions. ClinVar contains an entry for this variant (Variation ID: 263806). Algorithms developed to predict the effect of sequence changes on RNA splicing suggest that this variant may create or strengthen a splice site. In summary, the available evidence is currently insufficient to determine the role of this variant in disease. Therefore, it has been classified as a Variant of Uncertain Significance.

All of Us Research Program, National Institutes of Health
Classification: Uncertain significance for Marfan syndrome. Last evaluated: 2024-03-24. Review status: criteria provided, single submitter. Criteria: ACMG Guidelines, 2015. Collection method: clinical testing. Allele origin: germline. Inheritance: Autosomal dominant inheritance. Observed: 1 variant allele, 1 heterozygote.
Comment: This variant is located in the FBN1 protein. To our knowledge, functional studies have not been reported for this variant. This variant has not been reported in individuals affected with FBN1-related disorders in the literature. This variant has not been identified in the general population by the Genome Aggregation Database (gnomAD). The available evidence is insufficient to determine the role of this variant in disease conclusively. Therefore, this variant is classified as a Variant of Uncertain Significance.

This study involves interpretation of variants in research participants for the purpose of population health screening. Participant phenotype was not available at the time of variant classification. Additional details can be found in publication PMID: 35346344, PMCID: PMC8962531

Ambry Genetics
Classification: Likely benign for Cardiovascular phenotype. Last evaluated: 2013-11-21. Review status: criteria provided, single submitter. Criteria: Ambry Autosomal Dominant and X-Linked criteria (10/2015). Collection method: clinical testing. Allele origin: germline. Observed: 1 variant allele.